The following is an entry in ClinVar:

ClinVar aggregate classification (germline): Uncertain significance (1 of 4 stars; one submission).

Conditions:
Hereditary cancer-predisposing syndrome. Also called: Hereditary neoplastic syndrome; Neoplastic Syndromes, Hereditary; Tumor predisposition; Hereditary Cancer Syndrome. Identifiers: Orphanet 140162, MedGen C0027672, MeSH D009386, MONDO:0015356.

gnomAD v4.1: 1 of 1,612,160 alleles (0.000062%); highest among the groups gnomAD compares: South Asian, 0.0011%; no homozygotes.

Submission:

Ambry Genetics
Classification: Uncertain significance for Hereditary cancer-predisposing syndrome. Last evaluated: 2025-01-19. Review status: criteria provided, single submitter. Criteria: Ambry Variant Classification Scheme 2023. Collection method: clinical testing. Allele origin: germline.
Comment: The p.V234L variant (also known as c.700G>T), located in coding exon 5 of the CHEK2 gene, results from a G to T substitution at nucleotide position 700. The valine at codon 234 is replaced by leucine, an amino acid with highly similar properties. This amino acid position is conserved. In addition, this alteration is predicted to be deleterious by in silico analysis. Based on the available evidence, the clinical significance of this variant remains unclear.

NM_007194.4(CHEK2):c.700G>T (p.Val234Leu)

Gene: CHEK2 (checkpoint kinase 2; minus strand). Cytogenetic location: 22q12.1.
Variant type: single nucleotide variant.
Coding change: c.700G>T on transcript NM_007194.4 (MANE Select); coding-DNA position 700, G replaced by T.
Protein change: p.Val234Leu; replaces valine 234 with leucine.
Molecular consequence: missense variant.
Genome position (GRCh38, 1-based): chr22:28,712,001, C>A on the plus strand (G>T on the coding strand, the complement: CHEK2 is on the minus strand). VCF-style: chr22-28712001-C-A. GRCh37 (hg19) VCF-style: chr22-29107989-C-A.
Other names: c.829G>T, p.Val277Leu (NM_001005735.3); c.37G>T, p.Val13Leu (NM_001257387.3); c.499G>T, p.Val167Leu (NM_001349956.3); c.700G>T, p.Val234Leu (NM_145862.3); short protein forms V13L, V234L, V167L, V277L.
Identifiers: ClinVar variation 3832918 (VCV003832918.1).